The following is an entry in ClinVar:

ClinVar aggregate classification (germline): Uncertain significance. Review status: criteria provided, multiple submitters, no conflicts (2 of 4 stars). 2 submissions from 2 submitters: Uncertain significance (2). Last evaluated 2023-12-01.

Conditions:
Retinitis pigmentosa 20 (RP20). Identifiers: Orphanet 791, MedGen C3151086, MONDO:0013425, OMIM 613794.
Leber congenital amaurosis 2 (LCA2). Also called: Autosomal Recessive RPE65-Related Retinal Degeneration; AMAUROSIS CONGENITA OF LEBER II. Identifiers: Orphanet 65, MedGen C1859844, MONDO:0008765, OMIM 204100. Disease mechanism: loss of function.

Allele frequency attached by ClinVar (database versions not stated): gnomAD exomes below 0.00001.
gnomAD v4.1: 1 of 1,613,840 alleles (0.000062%); highest among the groups gnomAD compares: Non-Finnish European, 0.000085%; no homozygotes.

Submissions (2):

Labcorp Genetics (formerly Invitae), Labcorp
Classification: Uncertain significance for Leber congenital amaurosis 2; Retinitis pigmentosa 20. Last evaluated: 2023-12-01. Review status: criteria provided, single submitter. Criteria: Invitae Variant Classification Sherloc (09022015). Collection method: clinical testing. Allele origin: germline.
Comment: This sequence change replaces valine, which is neutral and non-polar, with phenylalanine, which is neutral and non-polar, at codon 384 of the RPE65 protein (p.Val384Phe). This variant is not present in population databases (gnomAD no frequency). This missense change has been observed in individual(s) with RPE65-related conditions (Invitae). In at least one individual the data is consistent with being in trans (on the opposite chromosome) from a pathogenic variant. ClinVar contains an entry for this variant (Variation ID: 866183). Advanced modeling of protein sequence and biophysical properties (such as structural, functional, and spatial information, amino acid conservation, physicochemical variation, residue mobility, and thermodynamic stability) performed at Invitae indicates that this missense variant is expected to disrupt RPE65 protein function with a positive predictive value of 80%. In summary, the available evidence is currently insufficient to determine the role of this variant in disease. Therefore, it has been classified as a Variant of Uncertain Significance.

Blueprint Genetics
Classification: Uncertain significance. Last evaluated: 2018-09-06. Review status: criteria provided, single submitter. Criteria: ACMG Guidelines, 2015. Collection method: clinical testing. Allele origin: germline.

NM_000329.3(RPE65):c.1150G>T (p.Val384Phe)

Gene: RPE65 (retinoid isomerohydrolase RPE65; minus strand). Cytogenetic location: 1p31.3.
Variant type: single nucleotide variant.
Coding change: c.1150G>T on transcript NM_000329.3 (MANE Select); coding-DNA position 1150, G replaced by T.
Protein change: p.Val384Phe; replaces valine 384 with phenylalanine.
Molecular consequence: missense variant.
Genome position (GRCh38, 1-based): chr1:68,431,564, C>A on the plus strand (G>T on the coding strand, the complement: RPE65 is on the minus strand). VCF-style: chr1-68431564-C-A. GRCh37 (hg19) VCF-style: chr1-68897247-C-A.
Other names: short protein forms V384F.
Identifiers: ClinVar variation 866183 (VCV000866183.5), dbSNP rs1645826797, ClinGen allele CA340743391.
Genomic context (GRCh38, chr1:68,431,564, plus strand): 5'-CCAGCCAGATAGTCTCGTCACTGCACAGAATTGCAGTGGCAGTTGTATTGGGGAGCGTGA[C>A]TAAATTCTTGCCTGTGTCAGCCTAGGAGAGAAGATAACAGAAACCTCAGTGAGCAGGAAA-3'
Protein context (NP_000320.1, residues 374-394): IDKADTGKNL[Val384Phe]TLPNTTATAI